The following is an entry in ClinVar:

NM_152594.3(SPRED1):c.135C>G (p.Phe45Leu)

Gene: SPRED1 (sprouty related EVH1 domain containing 1; plus strand). Cytogenetic location: 15q14.
Variant type: single nucleotide variant.
Coding change: c.135C>G on transcript NM_152594.3 (MANE Select); coding-DNA position 135, C replaced by G.
Protein change: p.Phe45Leu; replaces phenylalanine 45 with leucine.
Molecular consequence: missense variant.
Genome position (GRCh38, 1-based): chr15:38,299,475, C>G. VCF-style: chr15-38299475-C-G. GRCh37 (hg19) VCF-style: chr15-38591676-C-G.
Other names: short protein forms F45L.
Identifiers: ClinVar variation 656070 (VCV000656070.9), dbSNP rs1595733562, ClinGen allele CA391934233.

ClinVar aggregate classification (germline): Uncertain significance (1 of 4 stars; one submission).

Conditions:
Legius syndrome. Identifiers: Orphanet 137605, MedGen C1969623, MONDO:0012669, OMIM 611431. Disease mechanism: loss of function.

Allele frequency attached by ClinVar (database versions not stated): gnomAD exomes below 0.00001.
gnomAD v4.1: 2 of 1,614,040 alleles (0.00012%); highest among the groups gnomAD compares: Non-Finnish European, 0.00017%; no homozygotes.

Submission:

Labcorp Genetics (formerly Invitae), Labcorp
Classification: Uncertain significance for Legius syndrome. Last evaluated: 2024-04-29. Review status: criteria provided, single submitter. Criteria: Invitae Variant Classification Sherloc (09022015). Collection method: clinical testing. Allele origin: germline.
Comment: This sequence change replaces phenylalanine, which is neutral and non-polar, with leucine, which is neutral and non-polar, at codon 45 of the SPRED1 protein (p.Phe45Leu). This variant is not present in population databases (gnomAD no frequency). This variant has not been reported in the literature in individuals affected with SPRED1-related conditions. ClinVar contains an entry for this variant (Variation ID: 656070). Advanced modeling performed at Invitae incorporating data from internal and/or published experimental studies (Invitae) indicates that this missense variant is not expected to disrupt SPRED1 function with a negative predictive value of 95%. In summary, the available evidence is currently insufficient to determine the role of this variant in disease. Therefore, it has been classified as a Variant of Uncertain Significance.